The following is an entry in ClinVar:

ClinVar aggregate classification (germline): Uncertain significance (1 of 4 stars; one submission).

gnomAD v4.1: 2 of 1,611,890 alleles (0.00012%); highest among the groups gnomAD compares: East Asian, 0.0022%; no homozygotes.

Submission:

Labcorp Genetics (formerly Invitae), Labcorp
Classification: Uncertain significance. Last evaluated: 2025-06-27. Review status: criteria provided, single submitter. Criteria: Invitae Variant Classification Sherloc (09022015). Collection method: clinical testing. Allele origin: germline.
Comment: This sequence change replaces glycine, which is neutral and non-polar, with valine, which is neutral and non-polar, at codon 354 of the ITGAM protein (p.Gly354Val). This variant is present in population databases (no rsID available, gnomAD 0.003%). This variant has not been reported in the literature in individuals affected with ITGAM-related conditions. An algorithm developed to predict the effect of missense changes on protein structure and function (PolyPhen-2) suggests that this variant is likely to be disruptive. In summary, the available evidence is currently insufficient to determine the role of this variant in disease. Therefore, it has been classified as a Variant of Uncertain Significance.

NM_000632.4(ITGAM):c.1061G>T (p.Gly354Val)

Gene: ITGAM (integrin subunit alpha M; plus strand). Cytogenetic location: 16p11.2.
Variant type: single nucleotide variant.
Coding change: c.1061G>T on transcript NM_000632.4 (MANE Select); coding-DNA position 1061, G replaced by T.
Protein change: p.Gly354Val; replaces glycine 354 with valine.
Molecular consequence: missense variant.
Genome position (GRCh38, 1-based): chr16:31,276,722, G>T. VCF-style: chr16-31276722-G-T. GRCh37 (hg19) VCF-style: chr16-31288043-G-T.
Other names: c.1061G>T, p.Gly354Val (NM_001145808.2); short protein forms G354V.
Identifiers: ClinVar variation 4722197 (VCV004722197.1).